The following is an entry in ClinVar:

ClinVar aggregate classification (germline): Uncertain significance (1 of 4 stars; one submission).

Conditions:
Cardiovascular phenotype. Identifiers: MedGen CN230736.

Allele frequency attached by ClinVar (database versions not stated): gnomAD exomes 0.00001; ExAC 0.00002; gnomAD 0.00006; TOPMed 0.00007.
gnomAD v4.1: 30 of 1,612,956 alleles (0.0019%); highest among the groups gnomAD compares: African/African-American, 0.02%; no homozygotes.

Submission:

Ambry Genetics
Classification: Uncertain significance for Cardiovascular phenotype. Last evaluated: 2025-06-10. Review status: criteria provided, single submitter. Criteria: Ambry Variant Classification Scheme 2023. Collection method: clinical testing. Allele origin: germline.
Comment: The p.C145Y variant (also known as c.434G>A), located in coding exon 2 of the LMF1 gene, results from a G to A substitution at nucleotide position 434. The cysteine at codon 145 is replaced by tyrosine, an amino acid with highly dissimilar properties. This amino acid position is conserved. In addition, this alteration is predicted to be tolerated by in silico analysis. Since supporting evidence is limited at this time, the clinical significance of this alteration remains unclear.

NM_022773.4(LMF1):c.434G>A (p.Cys145Tyr)

Gene: LMF1 (lipase maturation factor 1; minus strand). Cytogenetic location: 16p13.3.
Variant type: single nucleotide variant.
Coding change: c.434G>A on transcript NM_022773.4 (MANE Select); coding-DNA position 434, G replaced by A.
Protein change: p.Cys145Tyr; replaces cysteine 145 with tyrosine.
Molecular consequence: missense variant. On other transcripts: 5 prime UTR variant (3), non-coding transcript variant (1).
Genome position (GRCh38, 1-based): chr16:954,426, C>T on the plus strand (G>A on the coding strand, the complement: LMF1 is on the minus strand). VCF-style: chr16-954426-C-T. GRCh37 (hg19) VCF-style: chr16-1004426-C-T.
Other names: c.-370G>A (NM_001352017.2); c.-121G>A (NM_001352018.2); c.107G>A, p.Cys36Tyr (NM_001352019.2); c.434G>A, p.Cys145Tyr (NM_001352020.1); c.-272G>A (NM_001352021.2); short protein forms C145Y, C36Y.
Identifiers: ClinVar variation 2562232 (VCV002562232.4), dbSNP rs771658591, ClinGen allele CA7797646.